The following is an entry in ClinVar:

NM_170707.4(LMNA):c.643C>G (p.Leu215Val)

Gene: LMNA (lamin A/C; plus strand). Cytogenetic location: 1q22.
Variant type: single nucleotide variant.
Coding change: c.643C>G on transcript NM_170707.4 (MANE Select); coding-DNA position 643, C replaced by G.
Protein change: p.Leu215Val; replaces leucine 215 with valine.
Molecular consequence: missense variant.
Genome position (GRCh38, 1-based): chr1:156,134,808, C>G. VCF-style: chr1-156134808-C-G. GRCh37 (hg19) VCF-style: chr1-156104599-C-G.
Other names: c.307C>G, p.Leu103Val (NM_001257374.3); c.400C>G, p.Leu134Val (NM_001282624.2); c.643C>G, p.Leu215Val (NM_001282625.2, NM_001282626.2, NM_005572.4 and 1 more transcripts); short protein forms L215V, L134V, L103V.
Identifiers: ClinVar variation 48073 (VCV000048073.6), dbSNP rs397517905, ClinGen allele CA018358.

ClinVar aggregate classification (germline): Uncertain significance. Review status: criteria provided, multiple submitters, no conflicts (2 of 4 stars). 2 submissions from 2 submitters: Uncertain significance (2). Last evaluated 2025-03-26.

Conditions:
Charcot-Marie-Tooth disease type 2. Also called: Charcot-Marie-Tooth type 2. Identifiers: Orphanet 64746, MedGen C0270914, MONDO:0018993.

gnomAD v4.1: 1 of 1,614,194 alleles (0.000062%); highest among the groups gnomAD compares: Non-Finnish European, 0.000085%; no homozygotes.

Submissions (2):

Labcorp Genetics (formerly Invitae), Labcorp
Classification: Uncertain significance for Charcot-Marie-Tooth disease type 2. Last evaluated: 2025-03-26. Review status: criteria provided, single submitter. Criteria: Invitae Variant Classification Sherloc (09022015). Collection method: clinical testing. Allele origin: germline.
Comment: This sequence change replaces leucine, which is neutral and non-polar, with valine, which is neutral and non-polar, at codon 215 of the LMNA protein (p.Leu215Val). This variant is not present in population databases (gnomAD no frequency). This missense change has been observed in individual(s) with unspecified cardiac disease (PMID: 23183350). ClinVar contains an entry for this variant (Variation ID: 48073). Invitae Evidence Modeling of protein sequence and biophysical properties (such as structural, functional, and spatial information, amino acid conservation, physicochemical variation, residue mobility, and thermodynamic stability) has been performed for this missense variant. However, the output from this modeling did not meet the statistical confidence thresholds required to predict the impact of this variant on LMNA protein function. This variant disrupts the p.Leu215 amino acid residue in LMNA. Other variant(s) that disrupt this residue have been determined to be pathogenic (PMID: 12486434, 20160190). This suggests that this residue is clinically significant, and that variants that disrupt this residue are likely to be disease-causing. In summary, the available evidence is currently insufficient to determine the role of this variant in disease. Therefore, it has been classified as a Variant of Uncertain Significance.

Laboratory for Molecular Medicine, Mass General Brigham Personalized Medicine
Classification: Uncertain significance. Last evaluated: 2014-12-29. Review status: criteria provided, single submitter. Criteria: LMM Criteria. Collection method: clinical testing. Allele origin: germline. Observed: 1 variant allele.
Comment: proposed classification - variant undergoing re-assessment, contact laboratory

Literature cited by the submitters: PubMed 23183350 (cited by Labcorp Genetics (formerly Invitae), Labcorp and Laboratory for Molecular Medicine, Mass General Brigham Personalized Medicine); PubMed 12486434 (cited by Labcorp Genetics (formerly Invitae), Labcorp); PubMed 20160190 (cited by Labcorp Genetics (formerly Invitae), Labcorp).